The following is an entry in ClinVar:

NM_000660.7(TGFB1):c.1079C>T (p.Ala360Val)

Gene: TGFB1 (transforming growth factor beta 1; minus strand). Cytogenetic location: 19q13.2.
Variant type: single nucleotide variant.
Coding change: c.1079C>T on transcript NM_000660.7 (MANE Select); coding-DNA position 1079, C replaced by T.
Protein change: p.Ala360Val; replaces alanine 360 with valine.
Molecular consequence: missense variant.
Genome position (GRCh38, 1-based): chr19:41,331,146, G>A on the plus strand (C>T on the coding strand, the complement: TGFB1 is on the minus strand). VCF-style: chr19-41331146-G-A. GRCh37 (hg19) VCF-style: chr19-41837051-G-A.
Other names: short protein forms A360V.
Identifiers: ClinVar variation 2706767 (VCV002706767.3), dbSNP rs1046906328, ClinGen allele CA308561805.

ClinVar aggregate classification (germline): Uncertain significance (1 of 4 stars; one submission).

Allele frequency attached by ClinVar (database versions not stated): gnomAD exomes 0.00001; TOPMed 0.00002; gnomAD 0.00001.
gnomAD v4.1: 6 of 1,568,440 alleles (0.00038%); highest among the groups gnomAD compares: African/African-American, 0.0041%; no homozygotes.

Submission:

Labcorp Genetics (formerly Invitae), Labcorp
Classification: Uncertain significance. Last evaluated: 2025-12-24. Review status: criteria provided, single submitter. Criteria: Invitae Variant Classification Sherloc (09022015). Collection method: clinical testing. Allele origin: germline.
Comment: This sequence change replaces alanine, which is neutral and non-polar, with valine, which is neutral and non-polar, at codon 360 of the TGFB1 protein (p.Ala360Val). The frequency data for this variant in the population databases is considered unreliable, as metrics indicate poor data quality at this position in the gnomAD database. This variant has not been reported in the literature in individuals affected with TGFB1-related conditions. ClinVar contains an entry for this variant (Variation ID: 2706767). Invitae Evidence Modeling of protein sequence and biophysical properties (such as structural, functional, and spatial information, amino acid conservation, physicochemical variation, residue mobility, and thermodynamic stability) indicates that this missense variant is not expected to disrupt TGFB1 protein function with a negative predictive value of 80%. In summary, the available evidence is currently insufficient to determine the role of this variant in disease. Therefore, it has been classified as a Variant of Uncertain Significance.